The following is an entry in ClinVar:

ClinVar aggregate classification (germline): Likely benign (1 of 4 stars; one submission).

Conditions:
PRIMPOL-related disorder. Also called: PRIMPOL-related condition.

gnomAD v4.1: 3 of 1,613,988 alleles (0.00019%); highest among the groups gnomAD compares: Middle Eastern, 0.016%; no homozygotes.

Submission:

PreventionGenetics, part of Exact Sciences
Classification: Likely benign for PRIMPOL-related condition. Last evaluated: 2025-06-03. Review status: criteria provided, single submitter. Criteria: ACMG Guidelines, 2015. Collection method: clinical testing. Allele origin: germline.
Comment: This variant is classified as likely benign based on ACMG/AMP sequence variant interpretation guidelines (Richards et al. 2015 PMID: 25741868, with internal and published modifications).

NM_152683.4(PRIMPOL):c.666A>G (p.Ala222=)

Gene: PRIMPOL (primase and DNA directed polymerase; plus strand). Cytogenetic location: 4q35.1.
Variant type: single nucleotide variant.
Coding change: c.666A>G on transcript NM_152683.4 (MANE Select); coding-DNA position 666, A replaced by G.
Protein change: p.Ala222=; no amino-acid change (alanine 222 retained).
Molecular consequence: synonymous variant. On other transcripts: 5 prime UTR variant (4), non-coding transcript variant (3).
Genome position (GRCh38, 1-based): chr4:184,672,282, A>G. VCF-style: chr4-184672282-A-G. GRCh37 (hg19) VCF-style: chr4-185593436-A-G.
Other names: c.279A>G, p.Ala93= (NM_001300767.2); c.666A>G, p.Ala222= (NM_001300768.2, NM_001345891.2, NM_001345892.2 and 4 more transcripts); c.-31A>G (NM_001345894.2, NM_001345897.2, NM_001345898.2 and 1 more transcripts); c.141A>G, p.Ala47= (NM_001345900.2).
Identifiers: ClinVar variation 4978859 (VCV004978859.1).